The following is an entry in ClinVar:

ClinVar aggregate classification (germline): Uncertain significance. Review status: criteria provided, multiple submitters, no conflicts (2 of 4 stars). 3 submissions from 3 submitters: Uncertain significance (3). Last evaluated 2024-02-24.

Conditions:
Hydrolethalus syndrome 2 (HLS2). Identifiers: Orphanet 2189, MedGen C3279899, MONDO:0013585, OMIM 614120.
Acrocallosal syndrome (ACLS). Also called: HALLUX DUPLICATION, POSTAXIAL POLYDACTYLY, AND ABSENCE OF CORPUS CALLOSUM; Absence of corpus callosum with unusual facial appearance, mental deficiency, duplication of the halluces and polydactyly; Schinzel syndrome 1. Identifiers: Orphanet 36, MedGen C0796147, MONDO:0008708, OMIM 200990.
Multiple epiphyseal dysplasia, Al-Gazali type. Also called: Macrocephaly with multiple epiphyseal dysplasia and distinctive facies. Identifiers: Orphanet 166024, MedGen C1846722, MONDO:0011778, OMIM 607131.

Allele frequency attached by ClinVar (database versions not stated): 1000 Genomes Project 30x 0.00031.
gnomAD v4.1: 14 of 1,546,276 alleles (0.00091%); highest among the groups gnomAD compares: Admixed American, 0.012%; no homozygotes.

Submissions (3):

Labcorp Genetics (formerly Invitae), Labcorp
Classification: Uncertain significance for Acrocallosal syndrome. Last evaluated: 2024-02-24. Review status: criteria provided, single submitter. Criteria: Invitae Variant Classification Sherloc (09022015). Collection method: clinical testing. Allele origin: germline.
Comment: This sequence change replaces arginine, which is basic and polar, with histidine, which is basic and polar, at codon 237 of the KIF7 protein (p.Arg237His). This variant is present in population databases (no rsID available, gnomAD 0.004%). This variant has not been reported in the literature in individuals affected with KIF7-related conditions. ClinVar contains an entry for this variant (Variation ID: 1353766). Advanced modeling of protein sequence and biophysical properties (such as structural, functional, and spatial information, amino acid conservation, physicochemical variation, residue mobility, and thermodynamic stability) performed at Invitae indicates that this missense variant is not expected to disrupt KIF7 protein function with a negative predictive value of 80%. In summary, the available evidence is currently insufficient to determine the role of this variant in disease. Therefore, it has been classified as a Variant of Uncertain Significance.

Blueprint Genetics
Classification: Uncertain significance. Last evaluated: 2024-02-14. Review status: criteria provided, single submitter. Criteria: ACMG Guidelines, 2015. Collection method: clinical testing. Allele origin: germline.

Fulgent Genetics
Classification: Uncertain significance for Acrocallosal syndrome; Multiple epiphyseal dysplasia, Al-Gazali type; Hydrolethalus syndrome 2. Last evaluated: 2023-12-27. Review status: criteria provided, single submitter. Criteria: ACMG Guidelines, 2015. Collection method: clinical testing. Allele origin: germline.

NM_198525.3(KIF7):c.710G>A (p.Arg237His)

Gene: KIF7 (kinesin family member 7; minus strand). Cytogenetic location: 15q26.1.
Variant type: single nucleotide variant.
Coding change: c.710G>A on transcript NM_198525.3 (MANE Select); coding-DNA position 710, G replaced by A.
Protein change: p.Arg237His; replaces arginine 237 with histidine.
Molecular consequence: missense variant.
Genome position (GRCh38, 1-based): chr15:89,649,187, C>T on the plus strand (G>A on the coding strand, the complement: KIF7 is on the minus strand). VCF-style: chr15-89649187-C-T. GRCh37 (hg19) VCF-style: chr15-90192418-C-T.
Other names: short protein forms R237H.
Identifiers: ClinVar variation 1353766 (VCV001353766.6), dbSNP rs529571444, ClinGen allele CA393775313.